The following is an entry in ClinVar:

ClinVar aggregate classification (germline): Uncertain significance. Review status: criteria provided, multiple submitters, no conflicts (2 of 4 stars). 2 submissions from 2 submitters: Uncertain significance (2). Last evaluated 2026-01-22.

Conditions:
Neuromuscular disease caused by qualitative or quantitative defects of dysferlin. Also called: Dysferlinopathy; Qualitative or quantitative defects of dysferlin. Identifiers: Orphanet 207073, MedGen C2931687, MONDO:0016145.

Allele frequency attached by ClinVar (database versions not stated): ExAC 0.00008.
gnomAD v4.1: 7 of 1,560,902 alleles (0.00045%); highest among the groups gnomAD compares: East Asian, 0.016%; no homozygotes.

Submissions (2):

Women's Health and Genetics/Laboratory Corporation of America, LabCorp
Classification: Uncertain significance. Last evaluated: 2026-01-22. Review status: criteria provided, single submitter. Criteria: LabCorp Variant Classification Summary - May 2015. Collection method: clinical testing. Allele origin: germline.

Labcorp Genetics (formerly Invitae), Labcorp
Classification: Uncertain significance for Neuromuscular disease caused by qualitative or quantitative defects of dysferlin. Last evaluated: 2023-08-04. Review status: criteria provided, single submitter. Criteria: Invitae Variant Classification Sherloc (09022015). Collection method: clinical testing. Allele origin: germline.
Comment: This sequence change falls in intron 22 of the DYSF gene. It does not directly change the encoded amino acid sequence of the DYSF protein. It affects a nucleotide within the consensus splice site. This variant is present in population databases (rs186637704, gnomAD 0.03%). This variant has not been reported in the literature in individuals affected with DYSF-related conditions. ClinVar contains an entry for this variant (Variation ID: 2160423). Variants that disrupt the consensus splice site are a relatively common cause of aberrant splicing (PMID: 17576681, 9536098). Algorithms developed to predict the effect of sequence changes on RNA splicing suggest that this variant is not likely to affect RNA splicing. In summary, the available evidence is currently insufficient to determine the role of this variant in disease. Therefore, it has been classified as a Variant of Uncertain Significance.

Literature cited by the submitters: PubMed 17576681 (cited by Labcorp Genetics (formerly Invitae), Labcorp); PubMed 9536098 (cited by Labcorp Genetics (formerly Invitae), Labcorp).

NM_001130987.2(DYSF):c.2216+5G>A

Gene: DYSF (dysferlin; plus strand). Cytogenetic location: 2p13.2.
Variant type: single nucleotide variant.
Coding change: c.2216+5G>A on transcript NM_001130987.2 (MANE Select); 5 bases into the intron after coding-DNA position 2216, G replaced by A.
Molecular consequence: intron variant.
Genome position (GRCh38, 1-based): chr2:71,556,076, G>A. VCF-style: chr2-71556076-G-A. GRCh37 (hg19) VCF-style: chr2-71783206-G-A.
Other names: c.2255+5G>A (NM_001130979.2); c.2213+5G>A (NM_001130981.2, NM_001130980.2); c.2162+5G>A (NM_001130978.2, NM_003494.4); c.2120+5G>A (NM_001130977.2, NM_001130976.2); c.2258+5G>A (NM_001130982.2); c.2216+5G>A (NM_001130985.2); c.2165+5G>A (NM_001130983.2, NM_001130455.2); c.2123+5G>A (NM_001130984.2, NM_001130986.2).
Identifiers: ClinVar variation 2160423 (VCV002160423.3), dbSNP rs186637704, ClinGen allele CA1706084.